The following is an entry in ClinVar:

NM_006939.4(SOS2):c.3097T>C (p.Leu1033=)

Gene: SOS2 (SOS Ras/Rho guanine nucleotide exchange factor 2; minus strand). Cytogenetic location: 14q21.3.
Variant type: single nucleotide variant.
Coding change: c.3097T>C on transcript NM_006939.4 (MANE Select); coding-DNA position 3097, T replaced by C.
Protein change: p.Leu1033=; no amino-acid change (leucine 1033 retained).
Molecular consequence: synonymous variant.
Genome position (GRCh38, 1-based): chr14:50,130,741, A>G on the plus strand (T>C on the coding strand, the complement: SOS2 is on the minus strand). VCF-style: chr14-50130741-A-G. GRCh37 (hg19) VCF-style: chr14-50597459-A-G.
Other names: p.Leu1033=; c.3097T>C (NM_006939.2).
Identifiers: ClinVar variation 1552956 (VCV001552956.10), dbSNP rs1047180820, ClinGen allele CA260714182.
Genomic context (GRCh38, chr14:50,130,741, plus strand): 5'-GTAAAGTACCTGAGGTAGAGCCATGTCGGCCTGTGTTAGGCCTTATTCCAGGAGATTTTA[A>G]GGAAAAAGTTGATTTCCTAGGCTGAGAAAAGCAAACATAATTAATGTCACAAATTTGCAT-3'
Protein context (NP_008870.2, residues 1023-1043): PRFPRKSTFS[Leu1033=]KSPGIRPNTG

ClinVar aggregate classification (germline): Likely benign. Review status: criteria provided, multiple submitters, no conflicts (2 of 4 stars). 3 submissions from 3 submitters: Likely benign (3). Last evaluated 2025-05-02.

Conditions:
Cardiovascular phenotype. Identifiers: MedGen CN230736.
Noonan syndrome 9 (NS9). Identifiers: Orphanet 648, MedGen C4225282, MONDO:0014691, OMIM 616559.

Allele frequency attached by ClinVar (database versions not stated): gnomAD 0.00001; TOPMed 0.00002.
gnomAD v4.1: 1 of 1,603,718 alleles (0.000062%); highest among the groups gnomAD compares: African/African-American, 0.0013%; no homozygotes.

Submissions (3):

Ambry Genetics
Classification: Likely benign for Cardiovascular phenotype. Last evaluated: 2025-05-02. Review status: criteria provided, single submitter. Criteria: Ambry Variant Classification Scheme 2023. Collection method: clinical testing. Allele origin: germline.

Labcorp Genetics (formerly Invitae), Labcorp
Classification: Likely benign for Noonan syndrome 9. Last evaluated: 2025-01-14. Review status: criteria provided, single submitter. Criteria: Invitae Variant Classification Sherloc (09022015). Collection method: clinical testing. Allele origin: germline.

Mayo Clinic Laboratories, Mayo Clinic
Classification: Likely benign. Last evaluated: 2025-01-14. Review status: criteria provided, single submitter. Criteria: ACMG Guidelines, 2015. Collection method: clinical testing. Allele origin: germline. Observed: 1 variant allele.
Comment: BP4, BP7, PM2_supporting